The following is an entry in ClinVar:

ClinVar aggregate classification (germline): Uncertain significance. Review status: criteria provided, multiple submitters, no conflicts (2 of 4 stars). 2 submissions from 2 submitters: Uncertain significance (2). Last evaluated 2024-09-23.

Conditions:
Inborn genetic diseases. Identifiers: MedGen C0950123, MeSH D030342.
Fanconi anemia (FA). Also called: Fanconi's anemia. Identifiers: Orphanet 84, MedGen C0015625, MeSH D005199, MONDO:0019391.

gnomAD v4.1: 12 of 1,611,944 alleles (0.00074%); highest among the groups gnomAD compares: Non-Finnish European, 0.001%; no homozygotes.

Submissions (2):

Labcorp Genetics (formerly Invitae), Labcorp
Classification: Uncertain significance for Fanconi anemia. Last evaluated: 2024-09-23. Review status: criteria provided, single submitter. Criteria: Invitae Variant Classification Sherloc (09022015). Collection method: clinical testing. Allele origin: germline.
Comment: This sequence change replaces histidine, which is basic and polar, with glutamine, which is neutral and polar, at codon 458 of the FANCI protein (p.His458Gln). This variant is not present in population databases (gnomAD no frequency). This variant has not been reported in the literature in individuals affected with FANCI-related conditions. ClinVar contains an entry for this variant (Variation ID: 1013636). Invitae Evidence Modeling of protein sequence and biophysical properties (such as structural, functional, and spatial information, amino acid conservation, physicochemical variation, residue mobility, and thermodynamic stability) has been performed for this missense variant. However, the output from this modeling did not meet the statistical confidence thresholds required to predict the impact of this variant on FANCI protein function. In summary, the available evidence is currently insufficient to determine the role of this variant in disease. Therefore, it has been classified as a Variant of Uncertain Significance.

Ambry Genetics
Classification: Uncertain significance for Inborn genetic diseases. Last evaluated: 2023-12-15. Review status: criteria provided, single submitter. Criteria: Ambry Variant Classification Scheme 2023. Collection method: clinical testing. Allele origin: germline.

NM_001113378.2(FANCI):c.1374T>A (p.His458Gln)

Gene: FANCI (FA complementation group I; plus strand). Cytogenetic location: 15q26.1.
Variant type: single nucleotide variant.
Coding change: c.1374T>A on transcript NM_001113378.2 (MANE Select); coding-DNA position 1374, T replaced by A.
Protein change: p.His458Gln; replaces histidine 458 with glutamine.
Molecular consequence: missense variant.
Genome position (GRCh38, 1-based): chr15:89,278,767, T>A. VCF-style: chr15-89278767-T-A. GRCh37 (hg19) VCF-style: chr15-89821998-T-A.
Other names: c.1095T>A, p.His365Gln (NM_001376910.1); c.1374T>A, p.His458Gln (NM_001376911.1, NM_018193.3); c.1374T>A (NM_001113378.1); short protein forms H365Q, H458Q.
Identifiers: ClinVar variation 1013636 (VCV001013636.9), dbSNP rs1183239990, ClinGen allele CA393743373.
Genomic context (GRCh38, chr15:89,278,767, plus strand): 5'-AGAAATTTTGGAGCAGGTCCTCAACAGGGTTGTTACCAGAGCATCTTCTCCCATCAGTCA[T>A]TTCTTAGGTATTCAACTTTGAAAGAATGAATAAAGTTTTTAGAAATATTTTCATTTCAAT-3'
Protein context (NP_001106849.1, residues 448-468): VVTRASSPIS[His458Gln]FLDLLSNIVM